The following is an entry in ClinVar:

NM_203447.4(DOCK8):c.676_684del (p.Asn226_Glu228del)

Gene: DOCK8 (dedicator of cytokinesis 8; plus strand). Cytogenetic location: 9p24.3.
Variant type: Deletion.
Coding change: c.676_684del on transcript NM_203447.4 (MANE Select); coding-DNA positions 676 to 684, 9 bases deleted (AACGAGGAG; older notation c.676_684delAACGAGGAG).
Protein change: p.Asn226_Glu228del.
Molecular consequence: inframe deletion.
Genome position (GRCh38, 1-based): chr9:312,101-312,109, AACGAGGAG deleted; deleting any 9 consecutive bases within chr9:312,099-312,109 gives the same sequence; the c. name uses the placement nearest the transcript's 3' end. VCF-style (leftmost placement, unchanged base first): chr9-312098-CAGAACGAGG-C. GRCh37 (hg19) VCF-style: chr9-312098-CAGAACGAGG-C.
Other names: c.472_480del, p.Asn158_Glu160del (NM_001190458.2, NM_001193536.2).
Identifiers: ClinVar variation 1512565 (VCV001512565.6), dbSNP rs2130698811, ClinGen allele CA2573144447.

ClinVar aggregate classification (germline): Uncertain significance (1 of 4 stars; one submission).

Conditions:
Combined immunodeficiency due to DOCK8 deficiency (HIES2). Also called: Hyper-IgE recurrent infection syndrome, autosomal recessive; HIES autosomal recessive; DOCK8 Deficiency; HYPER-IgE RECURRENT INFECTION SYNDROME 2, AUTOSOMAL RECESSIVE; HYPER-IgE SYNDROME 2, AUTOSOMAL RECESSIVE, WITH RECURRENT INFECTIONS. Identifiers: Orphanet 217390, MedGen C4722305, MONDO:0009478, OMIM 243700.

Submission:

Labcorp Genetics (formerly Invitae), Labcorp
Classification: Uncertain significance for Combined immunodeficiency due to DOCK8 deficiency. Last evaluated: 2022-07-12. Review status: criteria provided, single submitter. Criteria: Invitae Variant Classification Sherloc (09022015). Collection method: clinical testing. Allele origin: germline.
Comment: This variant is not present in population databases (gnomAD no frequency). This variant, c.676_684del, results in the deletion of 3 amino acid(s) of the DOCK8 protein (p.Asn226_Glu228del), but otherwise preserves the integrity of the reading frame. This variant has not been reported in the literature in individuals affected with DOCK8-related conditions. In summary, the available evidence is currently insufficient to determine the role of this variant in disease. Therefore, it has been classified as a Variant of Uncertain Significance. Experimental studies and prediction algorithms are not available or were not evaluated, and the functional significance of this variant is currently unknown. ClinVar contains an entry for this variant (Variation ID: 1512565).